The following is an entry in ClinVar:

NM_005732.4(RAD50):c.2662G>C (p.Glu888Gln)

Gene: RAD50 (RAD50 double strand break repair protein; plus strand). Cytogenetic location: 5q31.1.
Variant type: single nucleotide variant.
Coding change: c.2662G>C on transcript NM_005732.4 (MANE Select); coding-DNA position 2662, G replaced by C.
Protein change: p.Glu888Gln; replaces glutamic acid 888 with glutamine.
Molecular consequence: missense variant.
Genome position (GRCh38, 1-based): chr5:132,604,943, G>C. VCF-style: chr5-132604943-G-C. GRCh37 (hg19) VCF-style: chr5-131940635-G-C.
Other names: c.2662G>C (NM_005732.3); short protein forms E888Q.
Identifiers: ClinVar variation 2119921 (VCV002119921.5), dbSNP rs1260653590, ClinGen allele CA360956780.
Genomic context (GRCh38, chr5:132,604,943, plus strand): 5'-AATGAGCTAAAATCTGAGAAACTTCAGATATCCACTAATTTGCAACGTCGTCAGCAACTG[G>C]AGGAGCAGACTGTGGAATTATCCACTGAAGTTCAGTCTTTGTACAGAGAGATAAAGGTAA-3'
Protein context (NP_005723.2, residues 878-898): STNLQRRQQL[Glu888Gln]EQTVELSTEV

ClinVar aggregate classification (germline): Uncertain significance. Review status: criteria provided, multiple submitters, no conflicts (2 of 4 stars). 2 submissions from 2 submitters: Uncertain significance (2). Last evaluated 2024-01-14.

Conditions:
Hereditary cancer-predisposing syndrome. Also called: Hereditary Cancer Syndrome; Tumor predisposition; Neoplastic Syndromes, Hereditary; Hereditary neoplastic syndrome. Identifiers: Orphanet 140162, MedGen C0027672, MeSH D009386, MONDO:0015356.

Submissions (2):

Ambry Genetics
Classification: Uncertain significance for Hereditary cancer-predisposing syndrome. Last evaluated: 2024-01-14. Review status: criteria provided, single submitter. Criteria: Ambry Variant Classification Scheme 2023. Collection method: clinical testing. Allele origin: germline.
Comment: The p.E888Q variant (also known as c.2662G>C), located in coding exon 16 of the RAD50 gene, results from a G to C substitution at nucleotide position 2662. The glutamic acid at codon 888 is replaced by glutamine, an amino acid with highly similar properties. This amino acid position is conserved. In addition, the in silico prediction for this alteration is inconclusive. Since supporting evidence is limited at this time, the clinical significance of this alteration remains unclear.

Labcorp Genetics (formerly Invitae), Labcorp
Classification: Uncertain significance for Hereditary cancer-predisposing syndrome. Last evaluated: 2022-03-31. Review status: criteria provided, single submitter. Criteria: Invitae Variant Classification Sherloc (09022015). Collection method: clinical testing. Allele origin: germline.
Comment: In summary, the available evidence is currently insufficient to determine the role of this variant in disease. Therefore, it has been classified as a Variant of Uncertain Significance. Algorithms developed to predict the effect of missense changes on protein structure and function are either unavailable or do not agree on the potential impact of this missense change (SIFT: "Tolerated"; PolyPhen-2: "Probably Damaging"; Align-GVGD: "Class C0"). This variant has not been reported in the literature in individuals affected with RAD50-related conditions. This variant is not present in population databases (gnomAD no frequency). This sequence change replaces glutamic acid, which is acidic and polar, with glutamine, which is neutral and polar, at codon 888 of the RAD50 protein (p.Glu888Gln).